The following is an entry in ClinVar:

NM_000152.5(GAA):c.1888+5G>C

Gene: GAA (alpha glucosidase; plus strand). Cytogenetic location: 17q25.3.
Variant type: single nucleotide variant.
Coding change: c.1888+5G>C on transcript NM_000152.5 (MANE Select); 5 bases into the intron after coding-DNA position 1888, G replaced by C.
Molecular consequence: intron variant.
Genome position (GRCh38, 1-based): chr17:80,112,716, G>C. VCF-style: chr17-80112716-G-C. GRCh37 (hg19) VCF-style: chr17-78086515-G-C.
Other names: c.1888+5G>C (NM_001079803.3, NM_001079804.3).
Identifiers: ClinVar variation 2009113 (VCV002009113.4), dbSNP rs528282884, ClinGen allele CA2580095789.
Genomic context (GRCh38, chr17:80,112,716, plus strand): 5'-CCACTGGACGGGGGACGTGTGGAGCTCCTGGGAGCAGCTCGCCTCCTCCGTGCCAGGTGA[G>C]CTCCTACCAGGAGGGGCTGCTCAGCAGAGTAGAGCCGGGGGCCTCTATGGGAGGCTTGCC-3'

ClinVar aggregate classification (germline): Uncertain significance (1 of 4 stars; one submission).

Conditions:
Glycogen storage disease, type II (IOPD). Also called: Glucosidase acid-1,4-alpha deficiency; Glycogen storage disease type 2; Acid maltase deficiency disease; Aglucosidase alfa; Deficiency of alpha-glucosidase; Deficiency of lysosomal alpha-glucosidase. Identifiers: Orphanet 365, MedGen C0017921, MONDO:0009290, OMIM 232300.

Submission:

Labcorp Genetics (formerly Invitae), Labcorp
Classification: Uncertain significance for Glycogen storage disease, type II. Last evaluated: 2022-06-22. Review status: criteria provided, single submitter. Criteria: Invitae Variant Classification Sherloc (09022015). Collection method: clinical testing. Allele origin: germline.
Comment: In summary, the available evidence is currently insufficient to determine the role of this variant in disease. Therefore, it has been classified as a Variant of Uncertain Significance. Variants that disrupt the consensus splice site are a relatively common cause of aberrant splicing (PMID: 17576681, 9536098). Algorithms developed to predict the effect of sequence changes on RNA splicing suggest that this variant is not likely to affect RNA splicing. This variant has not been reported in the literature in individuals affected with GAA-related conditions. This variant is not present in population databases (gnomAD no frequency). This sequence change falls in intron 13 of the GAA gene. It does not directly change the encoded amino acid sequence of the GAA protein. It affects a nucleotide within the consensus splice site.

Literature cited by the submitters: PubMed 17576681; PubMed 9536098.